The following is an entry in ClinVar:

ClinVar aggregate classification (germline): Uncertain significance. Review status: criteria provided, multiple submitters, no conflicts (2 of 4 stars). 2 submissions from 2 submitters: Uncertain significance (2). Last evaluated 2023-06-14.

Conditions:
Familial temporal lobe epilepsy 7. Identifiers: Orphanet 101046, MedGen C4225327, MONDO:0014639, OMIM 616436.
Norman-Roberts syndrome (LIS2). Also called: Lissencephaly 2 (Norman-Roberts type). Identifiers: Orphanet 89844, MedGen C0796089, MONDO:0009760, OMIM 257320.

Allele frequency attached by ClinVar (database versions not stated): gnomAD exomes below 0.00001.
gnomAD v4.1: 1 of 1,614,052 alleles (0.000062%); highest among the groups gnomAD compares: Non-Finnish European, 0.000085%; no homozygotes.

Submissions (2):

Labcorp Genetics (formerly Invitae), Labcorp
Classification: Uncertain significance for Familial temporal lobe epilepsy 7; Norman-Roberts syndrome. Last evaluated: 2023-06-14. Review status: criteria provided, single submitter. Criteria: Invitae Variant Classification Sherloc (09022015). Collection method: clinical testing. Allele origin: germline.
Comment: This sequence change replaces glutamic acid, which is acidic and polar, with valine, which is neutral and non-polar, at codon 1222 of the RELN protein (p.Glu1222Val). This variant is not present in population databases (gnomAD no frequency). In summary, the available evidence is currently insufficient to determine the role of this variant in disease. Therefore, it has been classified as a Variant of Uncertain Significance. Advanced modeling of protein sequence and biophysical properties (such as structural, functional, and spatial information, amino acid conservation, physicochemical variation, residue mobility, and thermodynamic stability) performed at Invitae indicates that this missense variant is not expected to disrupt RELN protein function. ClinVar contains an entry for this variant (Variation ID: 1163009). This variant has not been reported in the literature in individuals affected with RELN-related conditions.

Mayo Clinic Laboratories, Mayo Clinic
Classification: Uncertain significance. Last evaluated: 2020-01-14. Review status: criteria provided, single submitter. Criteria: ACMG Guidelines, 2015. Collection method: clinical testing. Allele origin: germline. Observed: 1 variant allele.

NM_005045.4(RELN):c.3665A>T (p.Glu1222Val)

Gene: RELN (reelin; minus strand). Cytogenetic location: 7q22.1.
Variant type: single nucleotide variant.
Coding change: c.3665A>T on transcript NM_005045.4 (MANE Select); coding-DNA position 3665, A replaced by T.
Protein change: p.Glu1222Val; replaces glutamic acid 1222 with valine.
Molecular consequence: missense variant.
Genome position (GRCh38, 1-based): chr7:103,594,367, T>A on the plus strand (A>T on the coding strand, the complement: RELN is on the minus strand). VCF-style: chr7-103594367-T-A. GRCh37 (hg19) VCF-style: chr7-103234814-T-A.
Other names: c.3665A>T, p.Glu1222Val (NM_173054.3); short protein forms E1222V.
Identifiers: ClinVar variation 1163009 (VCV001163009.6), dbSNP rs2117250095, ClinGen allele CA368758456.